The following is an entry in ClinVar:

NM_001382347.1(MYO5A):c.4103G>A (p.Arg1368His)

Gene: MYO5A (myosin VA; minus strand). Cytogenetic location: 15q21.2.
Variant type: single nucleotide variant.
Coding change: c.4103G>A on transcript NM_001382347.1 (MANE Select); coding-DNA position 4103, G replaced by A.
Protein change: p.Arg1368His; replaces arginine 1368 with histidine.
Molecular consequence: missense variant.
Genome position (GRCh38, 1-based): chr15:52,340,332, C>T on the plus strand (G>A on the coding strand, the complement: MYO5A is on the minus strand). VCF-style: chr15-52340332-C-T. GRCh37 (hg19) VCF-style: chr15-52632529-C-T.
Other names: c.4103G>A, p.Arg1368His (NM_000259.3); c.4022G>A, p.Arg1341His (NM_001142495.2); c.4175G>A, p.Arg1392His (NM_001382348.1, NM_001382349.1); short protein forms R1341H, R1368H, R1392H.
Identifiers: ClinVar variation 1049681 (VCV001049681.2), dbSNP rs753717165, ClinGen allele CA7568197.

ClinVar aggregate classification (germline): Uncertain significance. Review status: criteria provided, single submitter (1 of 4 stars). 2 submissions from 2 submitters: Uncertain significance (1). 1 of the submissions does not count toward it. Last evaluated 2025-11-20.

Conditions:
Inborn genetic diseases. Identifiers: MedGen C0950123, MeSH D030342.

Allele frequency attached by ClinVar (database versions not stated): TOPMed 0.00001; gnomAD 0.00002.
gnomAD v4.1: 7 of 1,613,836 alleles (0.00043%); highest among the groups gnomAD compares: South Asian, 0.0011%; no homozygotes.

Submissions (2):

Ambry Genetics
Classification: Uncertain significance for Inborn genetic diseases. Last evaluated: 2025-11-20. Review status: criteria provided, single submitter. Criteria: Ambry Variant Classification Scheme 2023. Collection method: clinical testing. Allele origin: germline.

Department of Pathology and Laboratory Medicine, Sinai Health System
Classification: Uncertain significance. Review status: no assertion criteria provided. Collection method: clinical testing. Allele origin: unknown. Affected: yes. Study: The Canadian Open Genetics Repository (COGR). Not counted in ClinVar's aggregate classification.
Comment: The MYO5A p.Arg1368His variant was not identified in the literature nor was it identified in ClinVar. The variant was identified in dbSNP (ID: rs753717165) and in control databases in 2 of 249414 chromosomes at a frequency of 0.000008019 (Genome Aggregation Database March 6, 2019, v2.1.1). The variant was observed in the European (non-Finnish) population in 2 of 113226 chromosomes (freq: 0.000018), but was not observed in the African, Latino, Ashkenazi Jewish, East Asian, European (Finnish), Other, or South Asian populations. The p.Arg1368 residue is conserved in mammals and computational analyses (PolyPhen-2, SIFT, AlignGVGD, BLOSUM, MutationTaster) provide inconsistent predictions regarding the impact to the protein; this information is not very predictive of pathogenicity. The variant occurs outside of the splicing consensus sequence and in silico or computational prediction software programs (SpliceSiteFinder, MaxEntScan, NNSPLICE, GeneSplicer) do not predict a difference in splicing. In summary, based on the above information the clinical significance of this variant cannot be determined with certainty at this time. This variant is classified as a variant of uncertain significance.